The following is an entry in ClinVar:

NM_014049.5(ACAD9):c.1149+5C>A

Gene: ACAD9 (acyl-CoA dehydrogenase family member 9; plus strand). Cytogenetic location: 3q21.3.
Variant type: single nucleotide variant.
Coding change: c.1149+5C>A on transcript NM_014049.5 (MANE Select); 5 bases into the intron after coding-DNA position 1149, C replaced by A.
Molecular consequence: intron variant.
Genome position (GRCh38, 1-based): chr3:128,904,510, C>A. VCF-style: chr3-128904510-C-A. GRCh37 (hg19) VCF-style: chr3-128623353-C-A.
Identifiers: ClinVar variation 559264 (VCV000559264.7), dbSNP rs367985938, ClinGen allele CA2601405.

ClinVar aggregate classification (germline): Uncertain significance. Review status: criteria provided, multiple submitters, no conflicts (2 of 4 stars). 4 submissions from 4 submitters: Uncertain significance (3). 1 of the submissions does not count toward it. Last evaluated 2023-02-11.

Conditions:
Inborn genetic diseases. Identifiers: MedGen C0950123, MeSH D030342.

Allele frequency attached by ClinVar (database versions not stated): gnomAD exomes 0.00005; ExAC 0.00009; gnomAD 0.00015 and 0.00016; TOPMed 0.00017; ESP Exome Variant Server 0.00023.
gnomAD v4.1: 43 of 1,613,468 alleles (0.0027%); highest among the groups gnomAD compares: African/African-American, 0.045%; no homozygotes.

Submissions (4):

Women's Health and Genetics/Laboratory Corporation of America, LabCorp
Classification: Uncertain significance. Last evaluated: 2023-02-11. Review status: criteria provided, single submitter. Criteria: LabCorp Variant Classification Summary - May 2015. Collection method: clinical testing. Allele origin: germline.

Labcorp Genetics (formerly Invitae), Labcorp
Classification: Uncertain significance. Last evaluated: 2022-10-05. Review status: criteria provided, single submitter. Criteria: Invitae Variant Classification Sherloc (09022015). Collection method: clinical testing. Allele origin: germline.
Comment: This sequence change falls in intron 11 of the ACAD9 gene. It does not directly change the encoded amino acid sequence of the ACAD9 protein. It affects a nucleotide within the consensus splice site. This variant is present in population databases (rs367985938, gnomAD 0.07%). This variant has not been reported in the literature in individuals affected with ACAD9-related conditions. ClinVar contains an entry for this variant (Variation ID: 559264). Variants that disrupt the consensus splice site are a relatively common cause of aberrant splicing (PMID: 17576681, 9536098). Algorithms developed to predict the effect of sequence changes on RNA splicing suggest that this variant is not likely to affect RNA splicing. In summary, the available evidence is currently insufficient to determine the role of this variant in disease. Therefore, it has been classified as a Variant of Uncertain Significance.

Ambry Genetics
Classification: Uncertain significance for Inborn genetic diseases. Last evaluated: 2022-07-06. Review status: criteria provided, single submitter. Criteria: Ambry Variant Classification Scheme 2023. Collection method: clinical testing. Allele origin: germline.
Comment: The c.1149+5C>A intronic alteration consists of a C to A substitution nucleotides after coding exon 11 in the ACAD9 gene. Based on insufficient or conflicting evidence, the clinical significance of this alteration remains unclear.

Mayo Clinic Laboratories, Mayo Clinic
Classification: Uncertain significance. Last evaluated: 2017-10-25. Review status: no assertion criteria provided. Collection method: clinical testing. Allele origin: unknown. Not counted in ClinVar's aggregate classification.

Literature cited by the submitters: PubMed 17576681 (cited by Labcorp Genetics (formerly Invitae), Labcorp); PubMed 9536098 (cited by Labcorp Genetics (formerly Invitae), Labcorp).